The following is an entry in ClinVar:

NC_000011.9:g.(?_61213403)_(61213543_?)del

Gene: SDHAF2 (succinate dehydrogenase complex assembly factor 2; plus strand). Cytogenetic location: 11q12.2.
Variant type: Deletion.
Identifiers: ClinVar variation 3244605 (VCV003244605.1).

ClinVar aggregate classification (germline): Uncertain significance (1 of 4 stars; one submission).

Conditions:
Hereditary pheochromocytoma and paraganglioma. Also called: Hereditary paragangliomas and pheochromocytomas; Hereditary Paraganglioma-Pheochromocytoma Syndromes; Hereditary pheochromocytoma-paraganglioma. Identifiers: Orphanet 29072, MedGen C4274332, MONDO:0017366.

Submission:

Labcorp Genetics (formerly Invitae), Labcorp
Classification: Uncertain significance for Hereditary pheochromocytoma and paraganglioma. Last evaluated: 2023-11-11. Review status: criteria provided, single submitter. Criteria: Invitae Variant Classification Sherloc (09022015). Collection method: clinical testing. Allele origin: unknown.
Comment: This variant is a gross deletion of the genomic region encompassing exon(s) 4 of the SDHAF2 gene, which includes the termination codon. This deletion extends beyond the assayed region for this gene and therefore may encompass additional genes. While this deletion is not anticipated to lead to nonsense mediated decay, it is expected to alter mRNA translation or result in a truncated protein product. This variant has not been reported in the literature in individuals affected with SDHAF2-related conditions. Experimental studies and prediction algorithms are not available or were not evaluated, and the functional significance of this variant is currently unknown. In summary, the available evidence is currently insufficient to determine the role of this variant in disease. Therefore, it has been classified as a Variant of Uncertain Significance.